The following is an entry in ClinVar:

NM_019074.4(DLL4):c.1154A>C (p.Asn385Thr)

Gene: DLL4 (delta like canonical Notch ligand 4; plus strand). Cytogenetic location: 15q15.1.
Variant type: single nucleotide variant.
Coding change: c.1154A>C on transcript NM_019074.4 (MANE Select); coding-DNA position 1154, A replaced by C.
Protein change: p.Asn385Thr; replaces asparagine 385 with threonine.
Molecular consequence: missense variant.
Genome position (GRCh38, 1-based): chr15:40,935,031, A>C. VCF-style: chr15-40935031-A-C. GRCh37 (hg19) VCF-style: chr15-41227229-A-C.
Other names: short protein forms N385T.
Identifiers: ClinVar variation 2075600 (VCV002075600.4), dbSNP rs776954133, ClinGen allele CA391779064.
Genomic context (GRCh38, chr15:40,935,031, plus strand): 5'-GCTGCGCCGACTCCCCCTGCTTCAATGGGGGCTCCTGCCGGGAGCGCAACCAGGGGGCCA[A>C]CTATGCTTGTGAATGTCCCCCCAACTTCACCGGCTCCAACTGCGAGAAGAAAGTGGACAG-3'
Protein context (NP_061947.1, residues 375-395): GSCRERNQGA[Asn385Thr]YACECPPNFT

ClinVar aggregate classification (germline): Uncertain significance (1 of 4 stars; one submission).

Submission:

Labcorp Genetics (formerly Invitae), Labcorp
Classification: Uncertain significance. Last evaluated: 2022-10-12. Review status: criteria provided, single submitter. Criteria: Invitae Variant Classification Sherloc (09022015). Collection method: clinical testing. Allele origin: germline.
Comment: In summary, the available evidence is currently insufficient to determine the role of this variant in disease. Therefore, it has been classified as a Variant of Uncertain Significance. Advanced modeling of protein sequence and biophysical properties (such as structural, functional, and spatial information, amino acid conservation, physicochemical variation, residue mobility, and thermodynamic stability) performed at Invitae indicates that this missense variant is not expected to disrupt DLL4 protein function. This variant has not been reported in the literature in individuals affected with DLL4-related conditions. This variant is not present in population databases (gnomAD no frequency). This sequence change replaces asparagine, which is neutral and polar, with threonine, which is neutral and polar, at codon 385 of the DLL4 protein (p.Asn385Thr).